The following is an entry in ClinVar:

ClinVar aggregate classification (germline): Uncertain significance (1 of 4 stars; one submission).

gnomAD v4.1: 2 of 1,610,742 alleles (0.00012%); highest among the groups gnomAD compares: Non-Finnish European, 0.00017%; no homozygotes.

Submission:

Labcorp Genetics (formerly Invitae), Labcorp
Classification: Uncertain significance. Last evaluated: 2022-06-05. Review status: criteria provided, single submitter. Criteria: Invitae Variant Classification Sherloc (09022015). Collection method: clinical testing. Allele origin: germline.
Comment: This sequence change replaces valine, which is neutral and non-polar, with glycine, which is neutral and non-polar, at codon 163 of the SLC1A4 protein (p.Val163Gly). This variant is present in population databases (no rsID available, gnomAD 0.0009%). This variant has not been reported in the literature in individuals affected with SLC1A4-related conditions. ClinVar contains an entry for this variant (Variation ID: 1481999). Algorithms developed to predict the effect of missense changes on protein structure and function are either unavailable or do not agree on the potential impact of this missense change (SIFT: "Deleterious"; PolyPhen-2: "Benign"; Align-GVGD: "Class C0"). In summary, the available evidence is currently insufficient to determine the role of this variant in disease. Therefore, it has been classified as a Variant of Uncertain Significance.

NM_003038.5(SLC1A4):c.488T>G (p.Val163Gly)

Gene: SLC1A4 (solute carrier family 1 member 4; plus strand). Cytogenetic location: 2p14.
Variant type: single nucleotide variant.
Coding change: c.488T>G on transcript NM_003038.5 (MANE Select); coding-DNA position 488, T replaced by G.
Protein change: p.Val163Gly; replaces valine 163 with glycine.
Molecular consequence: missense variant. On other transcripts: intron variant (3).
Genome position (GRCh38, 1-based): chr2:64,990,131, T>G. VCF-style: chr2-64990131-T-G. GRCh37 (hg19) VCF-style: chr2-65217265-T-G.
Other names: c.-134+1511T>G (NM_001348406.2, NM_001193493.2); c.-134+1577T>G (NM_001348407.2); short protein forms V163G.
Identifiers: ClinVar variation 1481999 (VCV001481999.8), dbSNP rs767576916, ClinGen allele CA347078984.